The following is an entry in ClinVar:

ClinVar aggregate classification (germline): Uncertain significance (1 of 4 stars; one submission).

Allele frequency attached by ClinVar (database versions not stated): TOPMed below 0.00001.
gnomAD v4.1: 2 of 1,551,874 alleles (0.00013%); highest among the groups gnomAD compares: Non-Finnish European, 0.00017%; no homozygotes.

Submission:

Labcorp Genetics (formerly Invitae), Labcorp
Classification: Uncertain significance. Last evaluated: 2022-06-22. Review status: criteria provided, single submitter. Criteria: Invitae Variant Classification Sherloc (09022015). Collection method: clinical testing. Allele origin: germline.
Comment: In summary, the available evidence is currently insufficient to determine the role of this variant in disease. Therefore, it has been classified as a Variant of Uncertain Significance. Algorithms developed to predict the effect of missense changes on protein structure and function (SIFT, PolyPhen-2, Align-GVGD) all suggest that this variant is likely to be disruptive. This variant has not been reported in the literature in individuals affected with PEPD-related conditions. This variant is not present in population databases (gnomAD no frequency). This sequence change replaces histidine, which is basic and polar, with tyrosine, which is neutral and polar, at codon 330 of the PEPD protein (p.His330Tyr).

NM_000285.4(PEPD):c.988C>T (p.His330Tyr)

Gene: PEPD (peptidase D; minus strand). Cytogenetic location: 19q13.11.
Variant type: single nucleotide variant.
Coding change: c.988C>T on transcript NM_000285.4 (MANE Select); coding-DNA position 988, C replaced by T.
Protein change: p.His330Tyr; replaces histidine 330 with tyrosine.
Molecular consequence: missense variant.
Genome position (GRCh38, 1-based): chr19:33,391,459, G>A on the plus strand (C>T on the coding strand, the complement: PEPD is on the minus strand). VCF-style: chr19-33391459-G-A. GRCh37 (hg19) VCF-style: chr19-33882365-G-A.
Other names: c.865C>T, p.His289Tyr (NM_001166056.2); c.796C>T, p.His266Tyr (NM_001166057.2); short protein forms H266Y, H289Y, H330Y.
Identifiers: ClinVar variation 2055598 (VCV002055598.4), dbSNP rs1968219078, ClinGen allele CA405222028.